The following is an entry in ClinVar:

NM_182914.3(SYNE2):c.14248C>G (p.Leu4750Val)

Gene: SYNE2 (spectrin repeat containing nuclear envelope protein 2; plus strand). Cytogenetic location: 14q23.2.
Variant type: single nucleotide variant.
Coding change: c.14248C>G on transcript NM_182914.3 (MANE Select); coding-DNA position 14248, C replaced by G.
Protein change: p.Leu4750Val; replaces leucine 4750 with valine.
Molecular consequence: missense variant.
Genome position (GRCh38, 1-based): chr14:64,130,156, C>G. VCF-style: chr14-64130156-C-G. GRCh37 (hg19) VCF-style: chr14-64596874-C-G.
Other names: c.14248C>G, p.Leu4750Val (NM_015180.6); short protein forms L4750V.
Identifiers: ClinVar variation 3711460 (VCV003711460.2).

ClinVar aggregate classification (germline): Uncertain significance (1 of 4 stars; one submission).

Conditions:
Emery-Dreifuss muscular dystrophy 5, autosomal dominant (EDMD5). Also called: EMERY-DREIFUSS MUSCULAR DYSTROPHY 5. Identifiers: Orphanet 261, MedGen C2751805, MONDO:0013072, OMIM 612999.

Submission:

Labcorp Genetics (formerly Invitae), Labcorp
Classification: Uncertain significance for Emery-Dreifuss muscular dystrophy 5, autosomal dominant. Last evaluated: 2024-10-07. Review status: criteria provided, single submitter. Criteria: Invitae Variant Classification Sherloc (09022015). Collection method: clinical testing. Allele origin: germline.
Comment: This sequence change replaces leucine, which is neutral and non-polar, with valine, which is neutral and non-polar, at codon 4750 of the SYNE2 protein (p.Leu4750Val). This variant is not present in population databases (gnomAD no frequency). This variant has not been reported in the literature in individuals affected with SYNE2-related conditions. An algorithm developed to predict the effect of missense changes on protein structure and function (PolyPhen-2) suggests that this variant is likely to be disruptive. In summary, the available evidence is currently insufficient to determine the role of this variant in disease. Therefore, it has been classified as a Variant of Uncertain Significance.